The following is an entry in ClinVar:

ClinVar aggregate classification (germline): Pathogenic/Likely pathogenic. Review status: criteria provided, multiple submitters, no conflicts (2 of 4 stars). 5 submissions from 5 submitters: Pathogenic (2); Likely pathogenic (3). Last evaluated 2025-09-10.

Conditions:
Hereditary cancer-predisposing syndrome. Also called: Hereditary Cancer Syndrome; Neoplastic Syndromes, Hereditary; Tumor predisposition; Hereditary neoplastic syndrome. Identifiers: Orphanet 140162, MedGen C0027672, MeSH D009386, MONDO:0015356.
BRCA2-related disorder. Also called: BRCA2-related condition; BRCA2-related disorders. Identifiers: MedGen CN239275.
Breast-ovarian cancer, familial, susceptibility to, 2 (BROVCA2). Also called: BRCA2 Hereditary Breast and Ovarian Cancer. Identifiers: Orphanet 145, MedGen C2675520, MONDO:0012933, OMIM 612555. Disease mechanism: loss of function.
Hereditary breast ovarian cancer syndrome. Also called: Hereditary breast and ovarian cancer syndrome; Hereditary breast and/or ovarian cancer syndrome; Hereditary breast and ovarian cancer syndrome (HBOC); Breast and ovarian cancer; BRCA1- and BRCA2-Associated Hereditary Breast and Ovarian Cancer; Hereditary breast and ovarian cancer. Identifiers: Orphanet 145, MedGen C0677776, MeSH D061325, MONDO:0003582. Disease mechanism: loss of function.

Submissions (5):

Genomic Medicine Center of Excellence, King Faisal Specialist Hospital and Research Centre
Classification: Pathogenic for Breast-ovarian cancer, familial, susceptibility to, 2. Last evaluated: 2025-09-10. Review status: criteria provided, single submitter. Criteria: ACMG Guidelines, 2015. Collection method: clinical testing. Allele origin: germline.

Ambry Genetics
Classification: Likely pathogenic for Hereditary cancer-predisposing syndrome. Last evaluated: 2025-07-21. Review status: criteria provided, single submitter. Criteria: Ambry Variant Classification Scheme 2023. Collection method: clinical testing. Allele origin: germline.
Comment: The c.-39-1G>C intronic variant is located in the 5' untranslated region (5&rsquo; UTR) of the BRCA2 gene. This intronic variant results from a G to C substitution one nucleotide upstream from the first translated codon. Alterations that disrupt the canonical splice site are expected to result in aberrant splicing. In silico splice site analysis predicts that this alteration will weaken the native splice acceptor site and may result in the creation or strengthening of a novel splice donor site. RNA studies have demonstrated that this alteration results in abnormal splicing in the set of samples tested (Ambry internal data). Other variants impacting the same donor site (c.39-1_39delGA, c.39-1G>A) have been shown to have a similar impact on splicing (Ambry internal data, Davy G et al. Eur J Hum Genet. 2017 Oct;25(10):1147-1154). This nucleotide position is highly conserved in available vertebrate species. This variant is considered to be rare based on population cohorts in the Genome Aggregation Database (gnomAD). Based on the majority of available evidence to date, this variant is likely to be pathogenic.

KCCC/NGS Laboratory, Kuwait Cancer Control Center
Classification: Pathogenic for Breast-ovarian cancer, familial, susceptibility to, 2. Last evaluated: 2023-06-06. Review status: criteria provided, single submitter. Criteria: ACMG Guidelines, 2015. Collection method: clinical testing. Allele origin: germline. Affected: yes.
Comment: A likely pathogenic variant in the BRCA2 gene was detected (c.-39-1G>C). This sequence change affects an acceptor splice site in intron 1 of the BRCA2 gene. It is expected to disrupt RNA splicing and likely results in an absent or disrupted protein product. A variant affecting the same splicesite (c.-39-1_-39del) has been observed in individuals affected with breast cancer (PMID: 26187060, 28993434), as well as an individual affected with medulloblastoma (PMID: 29753700). ClinVar contains an entry for this variant (Variation ID: 403704). Donor and acceptor splice site variants typically lead to a loss of protein function (PMID: 28905878), and loss-of-function variants in BRCA2 are known to be pathogenic (PMID: 20104584). Therefore, this variant has been classified as Likely Pathogenic.

Blueprint Genetics
Classification: Likely pathogenic for BRCA2-related disorders. Last evaluated: 2023-03-03. Review status: criteria provided, single submitter. Criteria: ACMG Guidelines, 2015. Collection method: clinical testing. Allele origin: germline. Affected: yes. Observed: 1 variant allele.

Labcorp Genetics (formerly Invitae), Labcorp
Classification: Likely pathogenic for Hereditary breast ovarian cancer syndrome. Last evaluated: 2020-09-09. Review status: criteria provided, single submitter. Criteria: Invitae Variant Classification Sherloc (09022015). Collection method: clinical testing. Allele origin: germline.
Comment: This variant is not present in population databases (ExAC no frequency). In summary, the currently available evidence indicates that the variant is pathogenic, but additional data are needed to prove that conclusively. Therefore, this variant has been classified as Likely Pathogenic. Experimental studies have shown that disruption of this splice site results in aberrant skipping of exon 2 and aberrant combined skipping of exons 2-3 (PMID: 28905878). Disruption of this splice site has been observed in individual(s) with breast cancer (PMID: 26187060, 28993434, 21520333, Invitae). This sequence change affects an acceptor splice site in intron 1 of the BRCA2 gene. It is expected to disrupt RNA splicing and likely results in an absent or disrupted protein product.

Literature cited by the submitters: PubMed 28905878 (cited by Ambry Genetics and Labcorp Genetics (formerly Invitae), Labcorp); PubMed 26187060 (cited by Labcorp Genetics (formerly Invitae), Labcorp); PubMed 28993434 (cited by Labcorp Genetics (formerly Invitae), Labcorp); PubMed 21520333 (cited by Labcorp Genetics (formerly Invitae), Labcorp).

NM_000059.4(BRCA2):c.-39-1G>C

Gene: BRCA2 (BRCA2 DNA repair associated; plus strand). Cytogenetic location: 13q13.1.
Variant type: single nucleotide variant.
Coding change: c.-39-1G>C on transcript NM_000059.4 (MANE Select); the canonical splice acceptor site of the intron before 39 bases upstream of the start codon, G replaced by C.
Molecular consequence: splice acceptor variant. On other transcripts: intron variant (1).
Genome position (GRCh38, 1-based): chr13:32,316,421, G>C. VCF-style: chr13-32316421-G-C. GRCh37 (hg19) VCF-style: chr13-32890558-G-C.
Other names: c.-39-1G>C (NM_001406720.1, NM_001406719.1, NM_001406721.1 and 1 more transcripts); c.-303+754G>C (NM_001406722.1).
Identifiers: ClinVar variation 1067980 (VCV001067980.15), dbSNP rs1060499566, ClinGen allele CA2499222006.
Genomic context (GRCh38, chr13:32,316,421, plus strand): 5'-CTCAGTCACATAATAAGGAATGCATCCCTGTGTAAGTGCATTTTGGTCTTCTGTTTTGCA[G>C]ACTTATTTACCAAGCATTGGAGGAATATCGTAGGTAAAAATGCCTATTGGATCCAAAGAG-3'